The following is an entry in ClinVar:

ClinVar aggregate classification (somatic clinical impact): Tier II - Potential (1 of 4 stars; one submission).

Conditions:
Primary central nervous system lymphoma. Identifiers: Orphanet 46135, MedGen C0280803, MONDO:0002571, HP:0030069.

Submissions (2):

National Institute of Cancer Research, National Health Research Institutes
Classification: Tier II - Potential for Primary central nervous system lymphoma. Assertion type: therapeutic. Clinical significance: reduced sensitivity. Review status: criteria provided, single submitter. Criteria: AMP/ASCO/CAP Guidelines, 2017. Collection method: clinical testing. Allele origin: somatic. Affected: yes.
Comment: Variant has Tier II (potential) clinical significance as a therapeutic (reduced sensitivity) criterion in lymphoma based on the following evidence: 1) Infomration in the literature supports potential biologic effect of variant (PMID: 36495369). 2) Mutations affecting IRF4 and therapeutic response (PMID: 37935654)

Dr. Peter K. Rogan Lab, Western University
No classification provided (evidence only). Condition: Lymphoma. Review status: no classification provided. Collection method: in vitro. Allele origin: not applicable. Functional consequence: skipped exon, retained intron. Not counted in ClinVar's aggregate classification.

Literature cited by the submitters: PubMed 36495369 (cited by National Institute of Cancer Research, National Health Research Institutes); PubMed 37935654 (cited by National Institute of Cancer Research, National Health Research Institutes).

NM_002460.4(IRF4):c.166C>T (p.His56Tyr)

Gene: IRF4 (interferon regulatory factor 4; plus strand). Cytogenetic location: 6p25.3.
Variant type: single nucleotide variant.
Coding change: c.166C>T on transcript NM_002460.4 (MANE Select); coding-DNA position 166, C replaced by T.
Protein change: p.His56Tyr; replaces histidine 56 with tyrosine.
Molecular consequence: missense variant. On other transcripts: non-coding transcript variant (1).
Genome position (GRCh38, 1-based): chr6:393,318, C>T. VCF-style: chr6-393318-C-T. GRCh37 (hg19) VCF-style: chr6-393318-C-T.
Other names: NC_000006.11:g.393318C>T; c.166C>T, p.His56Tyr (NM_001195286.2); short protein forms H56Y.
Identifiers: ClinVar variation 4327835 (VCV004327835.2).
Genomic context (GRCh38, chr6:393,318, plus strand): 5'-AAGTACCCCGGGCTGGTGTGGGAGAACGAGGAGAAGAGCATCTTCCGCATCCCCTGGAAG[C>T]ACGCGGGCAAGCAGGACTACAACCGCGAGGAGGACGCCGCGCTCTTCAAGGTCTCCGGCC-3'
Protein context (NP_002451.2, residues 46-66): EKSIFRIPWK[His56Tyr]AGKQDYNREE